The following is an entry in ClinVar:

ClinVar aggregate classification (germline): Pathogenic/Likely pathogenic. Review status: criteria provided, multiple submitters, no conflicts (2 of 4 stars). 4 submissions from 4 submitters: Pathogenic (2); Likely pathogenic (2). Last evaluated 2025-08-06.

Conditions:
BRCA2-related cancer predisposition. Identifiers: MedGen CN377758, MONDO:0700269.
Hereditary cancer-predisposing syndrome. Also called: Neoplastic Syndromes, Hereditary; Hereditary Cancer Syndrome; Tumor predisposition; Hereditary neoplastic syndrome. Identifiers: Orphanet 140162, MedGen C0027672, MeSH D009386, MONDO:0015356.
Breast-ovarian cancer, familial, susceptibility to, 2 (BROVCA2). Also called: BRCA2 Hereditary Breast and Ovarian Cancer. Identifiers: Orphanet 145, MedGen C2675520, MONDO:0012933, OMIM 612555. Disease mechanism: loss of function.

Submissions (4):

Ambry Genetics
Classification: Pathogenic for Hereditary cancer-predisposing syndrome. Last evaluated: 2025-08-06. Review status: criteria provided, single submitter. Criteria: Ambry Variant Classification Scheme 2023. Collection method: clinical testing. Allele origin: germline.
Comment: The p.E1940* pathogenic mutation (also known as c.5818G>T), located in coding exon 10 of the BRCA2 gene, results from a G to T substitution at nucleotide position 5818. This changes the amino acid from a glutamic acid to a stop codon within coding exon 10. This variant is considered to be rare based on population cohorts in the Genome Aggregation Database (gnomAD). This alteration is expected to result in loss of function by premature protein truncation or nonsense-mediated mRNA decay. As such, this alteration is interpreted as a disease-causing mutation.

Sema4
Classification: Likely pathogenic for Hereditary cancer-predisposing syndrome. Last evaluated: 2022-03-16. Review status: criteria provided, single submitter. Criteria: Sema4 Curation Guidelines. Collection method: curation. Allele origin: germline.
Comment: The BRCA c.5818G>T (p.E1940X) variant has not been reported in the literature to our knowledge. This nonsense variant creates a premature stop codon at residue 1940 of the BRCA2 protein. At this location, this is predicted to cause nonsense-mediated decay and result in an absent protein (loss of function). Loss of function variants in BRCA2 are known to be pathogenic (PMID: 20104584, 29446198). This variant is not reported in the Genome Aggregation Database (PMID: 32461654). The variant has been reported in ClinVar (Variation ID: 584856). Based on the current evidence available, this variant is interpreted as likely pathogenic.

Department of Pathology and Laboratory Medicine, Sinai Health System
Classification: Pathogenic for BRCA2-related cancer predisposition. Last evaluated: 2020-01-06. Review status: criteria provided, single submitter. Criteria: ACMG Guidelines, 2015. Collection method: clinical testing. Allele origin: germline.

Mendelics
Classification: Likely pathogenic for Breast-ovarian cancer, familial, susceptibility to, 2. Last evaluated: 2019-05-28. Review status: criteria provided, single submitter. Criteria: Mendelics Assertion Criteria 2017. Collection method: clinical testing. Allele origin: unknown.

Literature cited by the submitters: PubMed 20104584 (cited by Sema4); PubMed 29446198 (cited by Sema4).

NM_000059.4(BRCA2):c.5818G>T (p.Glu1940Ter)

Gene: BRCA2 (BRCA2 DNA repair associated; plus strand). Cytogenetic location: 13q13.1.
Variant type: single nucleotide variant.
Coding change: c.5818G>T on transcript NM_000059.4 (MANE Select); coding-DNA position 5818, G replaced by T.
Protein change: p.Glu1940Ter; replaces glutamic acid 1940 with a stop codon.
Molecular consequence: nonsense.
Genome position (GRCh38, 1-based): chr13:32,340,173, G>T. VCF-style: chr13-32340173-G-T. GRCh37 (hg19) VCF-style: chr13-32914310-G-T.
Other names: short protein forms E1940*.
Identifiers: ClinVar variation 584856 (VCV000584856.6), dbSNP rs1566233278, ClinGen allele CA387787277.